The following is an entry in ClinVar:

ClinVar aggregate classification (germline): Uncertain significance (1 of 4 stars; one submission).

Conditions:
Hereditary cancer-predisposing syndrome. Also called: Neoplastic Syndromes, Hereditary; Tumor predisposition; Hereditary neoplastic syndrome; Hereditary Cancer Syndrome. Identifiers: Orphanet 140162, MedGen C0027672, MeSH D009386, MONDO:0015356.

Submission:

Ambry Genetics
Classification: Uncertain significance for Hereditary cancer-predisposing syndrome. Last evaluated: 2026-07-02. Review status: criteria provided, single submitter. Criteria: Ambry Variant Classification Scheme 2023. Collection method: clinical testing. Allele origin: germline.
Comment: The p.E154D variant (also known as c.462G>T), located in coding exon 5 of the SDHB gene, results from a G to T substitution at nucleotide position 462. The glutamic acid at codon 154 is replaced by aspartic acid, an amino acid with highly similar properties. This amino acid position is conserved. In addition, the in silico prediction for this alteration is inconclusive. Based on the available evidence, the clinical significance of this variant remains unclear.

NM_003000.3(SDHB):c.462G>T (p.Glu154Asp)

Gene: SDHB (succinate dehydrogenase complex iron sulfur subunit B; minus strand). Cytogenetic location: 1p36.13.
Variant type: single nucleotide variant.
Coding change: c.462G>T on transcript NM_003000.3 (MANE Select); coding-DNA position 462, G replaced by T.
Protein change: p.Glu154Asp; replaces glutamic acid 154 with aspartic acid.
Molecular consequence: missense variant.
Genome position (GRCh38, 1-based): chr1:17,027,827, C>A on the plus strand (G>T on the coding strand, the complement: SDHB is on the minus strand). VCF-style: chr1-17027827-C-A. GRCh37 (hg19) VCF-style: chr1-17354322-C-A.
Other names: c.408G>T, p.Glu136Asp (NM_001407361.1); short protein forms E136D, E154D.
Identifiers: ClinVar variation 5029260 (VCV005029260.1).